The following is an entry in ClinVar:

NM_138691.3(TMC1):c.229del (p.Arg77fs)

Gene: TMC1 (transmembrane channel like 1; plus strand). Cytogenetic location: 9q21.13.
Variant type: Deletion.
Coding change: c.229del on transcript NM_138691.3 (MANE Select); coding-DNA position 229, one base deleted (A; older notation c.229delA).
Protein change: p.Arg77fs; shifts the reading frame from arginine 77.
Molecular consequence: frameshift variant.
Genome position (GRCh38, 1-based): chr9:72,694,707, A deleted. VCF-style (leftmost placement, unchanged base first): chr9-72694706-GA-G. GRCh37 (hg19) VCF-style: chr9-75309622-GA-G.
Other names: c.229delA (NM_138691.2); short protein forms R77fs.
Identifiers: ClinVar variation 236042 (VCV000236042.1), dbSNP rs878853230, ClinGen allele CA10581505.

ClinVar aggregate classification (germline): Pathogenic (0 of 4 stars; one submission).

Conditions:
Autosomal recessive nonsyndromic hearing loss 7. Also called: DEAFNESS, AUTOSOMAL RECESSIVE 11. Identifiers: Orphanet 90636, MedGen C1832978, MONDO:0010967, OMIM 600974.

Submission:

Laboratory of Prof. Karen Avraham, Tel Aviv University
Classification: Pathogenic for Autosomal recessive nonsyndromic hearing loss 7. Last evaluated: 2016-02-16. Review status: no assertion criteria provided. Collection method: research. Allele origin: germline. Affected: yes.
Comment: Congenital, profound HL

NSHL; recessive, DFNB7